The following is an entry in ClinVar:

NM_000182.5(HADHA):c.2231del (p.Phe744fs)

Genes: GAREM2 (GRB2 associated regulator of MAPK1 subtype 2; plus strand), HADHA (hydroxyacyl-CoA dehydrogenase trifunctional multienzyme complex subunit alpha; minus strand). Cytogenetic location: 2p23.3.
Variant type: Deletion.
Coding change: c.2231del on transcript NM_000182.5 (MANE Select); coding-DNA position 2231, one base deleted (T; older notation c.2231delT).
Protein change: p.Phe744fs; shifts the reading frame from phenylalanine 744.
Molecular consequence: frameshift variant.
Genome position (GRCh38, 1-based): chr2:26,191,311, A deleted on the plus strand (T on the coding strand, the reverse complement: HADHA is on the minus strand); the first of 2 consecutive A bases (chr2:26,191,311-26,191,312); deleting either gives the same sequence. VCF-style (leftmost placement, unchanged base first): chr2-26191310-GA-G. GRCh37 (hg19) VCF-style: chr2-26414179-GA-G.
Other names: short protein forms F744fs.
Identifiers: ClinVar variation 2101164 (VCV002101164.4), dbSNP rs2465504803, ClinGen allele CA2580066148.

ClinVar aggregate classification (germline): Pathogenic (1 of 4 stars; one submission).

Conditions:
Mitochondrial trifunctional protein deficiency. Identifiers: Orphanet 746, MedGen C1969443, MONDO:0012172.
Long chain 3-hydroxyacyl-CoA dehydrogenase deficiency. Also called: Deficiency of long-chain 3-hydroxyacyl-coenzyme A dehydrogenase; LCHAD Deficiency. Identifiers: Orphanet 5, MedGen C3711645, MONDO:0012173, OMIM 609016.

Submission:

Labcorp Genetics (formerly Invitae), Labcorp
Classification: Pathogenic for Mitochondrial trifunctional protein deficiency; Long chain 3-hydroxyacyl-CoA dehydrogenase deficiency. Last evaluated: 2022-11-17. Review status: criteria provided, single submitter. Criteria: Invitae Variant Classification Sherloc (09022015). Collection method: clinical testing. Allele origin: germline.
Comment: This variant has not been reported in the literature in individuals affected with HADHA-related conditions. For these reasons, this variant has been classified as Pathogenic. This variant disrupts a region of the HADHA protein in which other variant(s) (p.Thr745Serfs*8) have been determined to be pathogenic (Invitae). This suggests that this is a clinically significant region of the protein, and that variants that disrupt it are likely to be disease-causing. This variant is not present in population databases (gnomAD no frequency). This sequence change creates a premature translational stop signal (p.Phe744Serfs*7) in the HADHA gene. While this is not anticipated to result in nonsense mediated decay, it is expected to disrupt the last 20 amino acid(s) of the HADHA protein.